The following is an entry in ClinVar:

ClinVar aggregate classification (germline): Uncertain significance. Review status: criteria provided, multiple submitters, no conflicts (2 of 4 stars). 3 submissions from 3 submitters: Uncertain significance (2). 1 of the submissions does not count toward it. Last evaluated 2025-06-12.

Conditions:
Retinitis pigmentosa 71 (RP71). Identifiers: Orphanet 791, MedGen C4225342, MONDO:0014618, OMIM 616394.
Short-rib thoracic dysplasia 10 with or without polydactyly (SRTD10). Identifiers: Orphanet 474, MedGen C3810175, MONDO:0014284, OMIM 615630.
Inborn genetic diseases. Identifiers: MedGen C0950123, MeSH D030342.
IFT172-related disorder. Also called: IFT172-related condition; IFT172-related disorders.

gnomAD v4.1: 31 of 1,614,206 alleles (0.0019%); highest among the groups gnomAD compares: Non-Finnish European, 0.0026%; no homozygotes.

Submissions (3):

Ambry Genetics
Classification: Uncertain significance for Inborn genetic diseases. Last evaluated: 2025-06-12. Review status: criteria provided, single submitter. Criteria: Ambry Variant Classification Scheme 2023. Collection method: clinical testing. Allele origin: germline.

Labcorp Genetics (formerly Invitae), Labcorp
Classification: Uncertain significance for Retinitis pigmentosa 71; Short-rib thoracic dysplasia 10 with or without polydactyly. Last evaluated: 2024-05-22. Review status: criteria provided, single submitter. Criteria: Invitae Variant Classification Sherloc (09022015). Collection method: clinical testing. Allele origin: germline.
Comment: This sequence change replaces glutamine, which is neutral and polar, with histidine, which is basic and polar, at codon 998 of the IFT172 protein (p.Gln998His). This variant is not present in population databases (gnomAD no frequency). This variant has not been reported in the literature in individuals affected with IFT172-related conditions. ClinVar contains an entry for this variant (Variation ID: 2107810). Advanced modeling of protein sequence and biophysical properties (such as structural, functional, and spatial information, amino acid conservation, physicochemical variation, residue mobility, and thermodynamic stability) performed at Invitae indicates that this missense variant is not expected to disrupt IFT172 protein function with a negative predictive value of 80%. In summary, the available evidence is currently insufficient to determine the role of this variant in disease. Therefore, it has been classified as a Variant of Uncertain Significance.

PreventionGenetics, part of Exact Sciences
Classification: Uncertain significance for IFT172-related condition. Last evaluated: 2024-06-27. Review status: no assertion criteria provided. Collection method: clinical testing. Allele origin: germline. Not counted in ClinVar's aggregate classification.
Comment: The IFT172 c.2994A>C variant is predicted to result in the amino acid substitution p.Gln998His. To our knowledge, this variant has not been reported in the literature or in a large population database, indicating this variant is rare. At this time, the clinical significance of this variant is uncertain due to the absence of conclusive functional and genetic evidence.

NM_015662.3(IFT172):c.2994A>C (p.Gln998His)

Gene: IFT172 (intraflagellar transport 172; minus strand). Cytogenetic location: 2p23.3.
Variant type: single nucleotide variant.
Coding change: c.2994A>C on transcript NM_015662.3 (MANE Select); coding-DNA position 2994, A replaced by C.
Protein change: p.Gln998His; replaces glutamine 998 with histidine.
Molecular consequence: missense variant.
Genome position (GRCh38, 1-based): chr2:27,457,958, T>G on the plus strand (A>C on the coding strand, the complement: IFT172 is on the minus strand). VCF-style: chr2-27457958-T-G. GRCh37 (hg19) VCF-style: chr2-27680825-T-G.
Other names: c.2928A>C, p.Gln976His (NM_001410739.1); c.2994A>C (NM_015662.2, NM_015662.1); short protein forms Q976H, Q998H.
Identifiers: ClinVar variation 2107810 (VCV002107810.6), dbSNP rs753483115, ClinGen allele CA44493837.